The following is an entry in ClinVar:

NM_003849.4(SUCLG1):c.352A>G (p.Ile118Val)

Gene: SUCLG1 (succinate-CoA ligase GDP/ADP-forming subunit alpha; minus strand). Cytogenetic location: 2p11.2.
Variant type: single nucleotide variant.
Coding change: c.352A>G on transcript NM_003849.4 (MANE Select); coding-DNA position 352, A replaced by G.
Protein change: p.Ile118Val; replaces isoleucine 118 with valine.
Molecular consequence: missense variant.
Genome position (GRCh38, 1-based): chr2:84,441,426, T>C on the plus strand (A>G on the coding strand, the complement: SUCLG1 is on the minus strand). VCF-style: chr2-84441426-T-C. GRCh37 (hg19) VCF-style: chr2-84668550-T-C.
Other names: short protein forms I118V.
Identifiers: ClinVar variation 539290 (VCV000539290.10), dbSNP rs181953896, ClinGen allele CA1736327.

ClinVar aggregate classification (germline): Uncertain significance. Review status: criteria provided, multiple submitters, no conflicts (2 of 4 stars). 2 submissions from 2 submitters: Uncertain significance (2). Last evaluated 2023-10-03.

Conditions:
Mitochondrial DNA depletion syndrome 9 (MTDPS9). Also called: SUCLG1-Related Mitochondrial DNA Depletion Syndrome, Encephalomyopathic Form with Methylmalonic Aciduria. Identifiers: Orphanet 17, MedGen C3151476, MONDO:0009504, OMIM 245400.

Allele frequency attached by ClinVar (database versions not stated): gnomAD 0.00001; gnomAD exomes 0.00001 and 0.00003; ExAC 0.00002; TOPMed 0.00002; 1000 Genomes Project 30x 0.00016; 1000 Genomes Project 0.00020.
gnomAD v4.1: 10 of 1,614,158 alleles (0.00062%); highest among the groups gnomAD compares: East Asian, 0.022%; no homozygotes.

Submissions (2):

Labcorp Genetics (formerly Invitae), Labcorp
Classification: Uncertain significance for Mitochondrial DNA depletion syndrome 9. Last evaluated: 2023-10-03. Review status: criteria provided, single submitter. Criteria: Invitae Variant Classification Sherloc (09022015). Collection method: clinical testing. Allele origin: germline.
Comment: This sequence change replaces isoleucine, which is neutral and non-polar, with valine, which is neutral and non-polar, at codon 118 of the SUCLG1 protein (p.Ile118Val). This variant is present in population databases (rs181953896, gnomAD 0.04%). This variant has not been reported in the literature in individuals affected with SUCLG1-related conditions. ClinVar contains an entry for this variant (Variation ID: 539290). Advanced modeling of protein sequence and biophysical properties (such as structural, functional, and spatial information, amino acid conservation, physicochemical variation, residue mobility, and thermodynamic stability) has been performed at Invitae for this missense variant, however the output from this modeling did not meet the statistical confidence thresholds required to predict the impact of this variant on SUCLG1 protein function. In summary, the available evidence is currently insufficient to determine the role of this variant in disease. Therefore, it has been classified as a Variant of Uncertain Significance.

GeneDx
Classification: Uncertain significance. Last evaluated: 2023-01-10. Review status: criteria provided, single submitter. Criteria: GeneDx Variant Classification Process June 2021. Collection method: clinical testing. Allele origin: germline. Affected: yes.
Comment: In silico analysis supports that this missense variant does not alter protein structure/function; Has not been previously published as pathogenic or benign to our knowledge